The following is an entry in ClinVar:

NM_032447.5(FBN3):c.827T>C (p.Val276Ala)

Gene: FBN3 (fibrillin 3; minus strand). Cytogenetic location: 19p13.2.
Variant type: single nucleotide variant.
Coding change: c.827T>C on transcript NM_032447.5 (MANE Select); coding-DNA position 827, T replaced by C.
Protein change: p.Val276Ala; replaces valine 276 with alanine.
Molecular consequence: missense variant.
Genome position (GRCh38, 1-based): chr19:8,141,755, A>G on the plus strand (T>C on the coding strand, the complement: FBN3 is on the minus strand). VCF-style: chr19-8141755-A-G. GRCh37 (hg19) VCF-style: chr19-8206639-A-G.
Other names: c.827T>C, p.Val276Ala (NM_001321431.2); c.827T>C (NM_032447.3); short protein forms V276A.
Identifiers: ClinVar variation 4748028 (VCV004748028.2).

ClinVar aggregate classification (germline): Conflicting classifications of pathogenicity. Review status: criteria provided, conflicting classifications (1 of 4 stars). 2 submissions from 2 submitters: Uncertain significance (1); Likely benign (1). Last evaluated 2026-08-13.

gnomAD v4.1: 11 of 1,614,018 alleles (0.00068%); highest among the groups gnomAD compares: African/African-American, 0.004%; no homozygotes.

Submissions (2):

Ambry Genetics
Classification: Likely benign. Last evaluated: 2026-08-13. Review status: criteria provided, single submitter. Criteria: Ambry Variant Classification Scheme 2023. Collection method: clinical testing. Allele origin: germline.

Labcorp Genetics (formerly Invitae), Labcorp
Classification: Uncertain significance. Last evaluated: 2025-08-31. Review status: criteria provided, single submitter. Criteria: Invitae Variant Classification Sherloc (09022015). Collection method: clinical testing. Allele origin: germline.
Comment: This sequence change replaces valine, which is neutral and non-polar, with alanine, which is neutral and non-polar, at codon 276 of the FBN3 protein (p.Val276Ala). This variant is present in population databases (rs149500111, gnomAD 0.01%). This variant has not been reported in the literature in individuals affected with FBN3-related conditions. An algorithm developed to predict the effect of missense changes on protein structure and function outputs the following: PolyPhen-2: "Benign". The alanine amino acid residue is found in multiple mammalian species, which suggests that this missense change does not adversely affect protein function. In summary, the available evidence is currently insufficient to determine the role of this variant in disease. Therefore, it has been classified as a Variant of Uncertain Significance.